The following is an entry in ClinVar:

NM_001367624.2(ZNF469):c.6136A>G (p.Met2046Val)

Gene: ZNF469 (zinc finger protein 469; plus strand). Cytogenetic location: 16q24.2.
Variant type: single nucleotide variant.
Coding change: c.6136A>G on transcript NM_001367624.2 (MANE Select); coding-DNA position 6136, A replaced by G.
Protein change: p.Met2046Val; replaces methionine 2046 with valine.
Molecular consequence: missense variant.
Genome position (GRCh38, 1-based): chr16:88,433,606, A>G. VCF-style: chr16-88433606-A-G. GRCh37 (hg19) VCF-style: chr16-88500014-A-G.
Other names: NM_001127464.1:c.6052A>G; short protein forms M2046V.
Identifiers: ClinVar variation 2223317 (VCV002223317.2), dbSNP rs1000123778, ClinGen allele CA286381232.

ClinVar aggregate classification (germline): Uncertain significance (1 of 4 stars; one submission).

Conditions:
Cardiovascular phenotype. Identifiers: MedGen CN230736.

Allele frequency attached by ClinVar (database versions not stated): gnomAD 0.00001; gnomAD exomes 0.00001; TOPMed 0.00002.
gnomAD v4.1: 10 of 1,550,182 alleles (0.00065%); highest among the groups gnomAD compares: African/African-American, 0.0096%; no homozygotes.

Submission:

Ambry Genetics
Classification: Uncertain significance for Cardiovascular phenotype. Last evaluated: 2024-02-04. Review status: criteria provided, single submitter. Criteria: Ambry Variant Classification Scheme 2023. Collection method: clinical testing. Allele origin: germline.
Comment: The p.M2018V variant (also known as c.6052A>G), located in coding exon 2 of the ZNF469 gene, results from an A to G substitution at nucleotide position 6052. The methionine at codon 2018 is replaced by valine, an amino acid with highly similar properties. This amino acid position is conserved. In addition, this alteration is predicted to be tolerated by in silico analysis. Based on the available evidence, the clinical significance of this alteration remains unclear.